The following is an entry in ClinVar:

NM_001376.5(DYNC1H1):c.5165C>T (p.Thr1722Met)

Gene: DYNC1H1 (dynein cytoplasmic 1 heavy chain 1; plus strand). Cytogenetic location: 14q32.31.
Variant type: single nucleotide variant.
Coding change: c.5165C>T on transcript NM_001376.5 (MANE Select); coding-DNA position 5165, C replaced by T.
Protein change: p.Thr1722Met; replaces threonine 1722 with methionine.
Molecular consequence: missense variant.
Genome position (GRCh38, 1-based): chr14:102,004,877, C>T. VCF-style: chr14-102004877-C-T. GRCh37 (hg19) VCF-style: chr14-102471214-C-T.
Other names: short protein forms T1722M.
Identifiers: ClinVar variation 472540 (VCV000472540.11), dbSNP rs1555409563, ClinGen allele CA391045524.

ClinVar aggregate classification (germline): Uncertain significance. Review status: criteria provided, multiple submitters, no conflicts (2 of 4 stars). 5 submissions from 5 submitters: Uncertain significance (5). Last evaluated 2025-02-26.

Conditions:
DYNC1H1-related disorder. Also called: DYNC1H1-related condition; DYNC1H1-related disorders. Identifiers: MedGen CN381529.
Autosomal dominant childhood-onset proximal spinal muscular atrophy without contractures. Also called: KUGELBERG-WELANDER SYNDROME, AUTOSOMAL DOMINANT; SPINAL MUSCULAR ATROPHY, JUVENILE, PROXIMAL, AUTOSOMAL DOMINANT; Spinal muscular atrophy, lower extremity-predominant 1, AD; SPINAL MUSCULAR ATROPHY, CHILDHOOD, PROXIMAL, AUTOSOMAL DOMINANT. Identifiers: Orphanet 209341, Orphanet 363447, MedGen C5780022, MONDO:0008026, OMIM 158600.
Charcot-Marie-Tooth disease axonal type 2O. Also called: CHARCOT-MARIE-TOOTH NEUROPATHY, AXONAL, TYPE 2O; CHARCOT-MARIE-TOOTH DISEASE, AXONAL, AUTOSOMAL DOMINANT, TYPE 2O; Charcot-Marie-Tooth Neuropathy Type 2O; Charcot-Marie-Tooth disease, axonal, type 20. Identifiers: Orphanet 284232, MedGen C3280220, MONDO:0013644, OMIM 614228.
Cortical dysplasia, complex, with other brain malformations 13. Also called: Intellectual disability, autosomal dominant 13. Identifiers: MedGen C3281202, MONDO:0013805, OMIM 614563.
Inborn genetic diseases. Identifiers: MedGen C0950123, MeSH D030342.

Allele frequency attached by ClinVar (database versions not stated): gnomAD exomes 0.00001.
gnomAD v4.1: 12 of 1,614,150 alleles (0.00074%); highest among the groups gnomAD compares: East Asian, 0.0045%; no homozygotes.

Submissions (5):

Ambry Genetics
Classification: Uncertain significance for Inborn genetic diseases. Last evaluated: 2025-02-26. Review status: criteria provided, single submitter. Criteria: Ambry Variant Classification Scheme 2023. Collection method: clinical testing. Allele origin: germline.

Women's Health and Genetics/Laboratory Corporation of America, LabCorp
Classification: Uncertain significance. Last evaluated: 2024-05-29. Review status: criteria provided, single submitter. Criteria: LabCorp Variant Classification Summary - May 2015. Collection method: clinical testing. Allele origin: germline.
Comment: Variant summary: DYNC1H1 c.5165C>T (p.Thr1722Met) results in a non-conservative amino acid change in the encoded protein sequence. Three of four in-silico tools predict a damaging effect of the variant on protein function. The variant was absent in 251426 control chromosomes. The available data on variant occurrences in the general population are insufficient to allow any conclusion about variant significance. To our knowledge, no occurrence of c.5165C>T in individuals affected with DYNC1H1-Related Disorders and no experimental evidence demonstrating its impact on protein function have been reported. ClinVar contains an entry for this variant (Variation ID: 472540). Based on the evidence outlined above, the variant was classified as uncertain significance.

Labcorp Genetics (formerly Invitae), Labcorp
Classification: Uncertain significance for Charcot-Marie-Tooth disease axonal type 2O. Last evaluated: 2024-05-15. Review status: criteria provided, single submitter. Criteria: Invitae Variant Classification Sherloc (09022015). Collection method: clinical testing. Allele origin: germline.
Comment: This sequence change replaces threonine, which is neutral and polar, with methionine, which is neutral and non-polar, at codon 1722 of the DYNC1H1 protein (p.Thr1722Met). This variant is not present in population databases (gnomAD no frequency). This variant has not been reported in the literature in individuals affected with DYNC1H1-related conditions. ClinVar contains an entry for this variant (Variation ID: 472540). Advanced modeling of protein sequence and biophysical properties (such as structural, functional, and spatial information, amino acid conservation, physicochemical variation, residue mobility, and thermodynamic stability) has been performed at Invitae for this missense variant, however the output from this modeling did not meet the statistical confidence thresholds required to predict the impact of this variant on DYNC1H1 protein function. In summary, the available evidence is currently insufficient to determine the role of this variant in disease. Therefore, it has been classified as a Variant of Uncertain Significance.

PreventionGenetics, part of Exact Sciences
Classification: Uncertain significance for DYNC1H1-related condition. Last evaluated: 2022-11-29. Review status: criteria provided, single submitter. Criteria: ACMG Guidelines, 2015. Collection method: clinical testing. Allele origin: germline.
Comment: The DYNC1H1 c.5165C>T variant is predicted to result in the amino acid substitution p.Thr1722Met. To our knowledge, this variant has not been reported in the literature or in a large population database, indicating this variant is rare. At this time, the clinical significance of this variant is uncertain due to the absence of conclusive functional and genetic evidence.

Fulgent Genetics
Classification: Uncertain significance for Autosomal dominant childhood-onset proximal spinal muscular atrophy without contractures; Charcot-Marie-Tooth disease axonal type 2O; Cortical dysplasia, complex, with other brain malformations 13. Last evaluated: 2022-03-16. Review status: criteria provided, single submitter. Criteria: ACMG Guidelines, 2015. Collection method: clinical testing. Allele origin: unknown.